The following is an entry in ClinVar:

ClinVar aggregate classification (germline): Conflicting classifications of pathogenicity. Review status: criteria provided, conflicting classifications (1 of 4 stars). 3 submissions from 3 submitters: Uncertain significance (1); Benign (1); Likely benign (1). Last evaluated 2025-08-07.

Conditions:
Inborn genetic diseases. Identifiers: MedGen C0950123, MeSH D030342.

Allele frequency attached by ClinVar (database versions not stated): ExAC 0.00005; ESP Exome Variant Server 0.00008; gnomAD 0.00009; TOPMed 0.00012; 1000 Genomes Project 30x 0.00016; 1000 Genomes Project 0.00020.
gnomAD v4.1: 20 of 1,601,994 alleles (0.0012%); highest among the groups gnomAD compares: African/African-American, 0.024%; no homozygotes.

Submissions (3):

Labcorp Genetics (formerly Invitae), Labcorp
Classification: Benign. Last evaluated: 2025-08-07. Review status: criteria provided, single submitter. Criteria: Invitae Variant Classification Sherloc (09022015). Collection method: clinical testing. Allele origin: germline.

Ambry Genetics
Classification: Likely benign for Inborn genetic diseases. Last evaluated: 2023-12-15. Review status: criteria provided, single submitter. Criteria: Ambry Variant Classification Scheme 2023. Collection method: clinical testing. Allele origin: germline.

CeGaT Center for Human Genetics Tuebingen
Classification: Uncertain significance. Last evaluated: 2023-05-01. Review status: criteria provided, single submitter. Criteria: CeGaT Center For Human Genetics Tuebingen Variant Classification Criteria Version 2. Collection method: clinical testing. Allele origin: germline. Affected: yes. Observed: 1 variant allele.
Comment: ZBTB20: PP2

NM_001348800.3(ZBTB20):c.239G>A (p.Ser80Asn)

Genes: ZBTB20 (zinc finger and BTB domain containing 20; minus strand), ZBTB20-AS1 (ZBTB20 antisense RNA 1; plus strand). Cytogenetic location: 3q13.31.
Variant type: single nucleotide variant.
Coding change: c.239G>A on transcript NM_001348800.3 (MANE Select); coding-DNA position 239, G replaced by A.
Protein change: p.Ser80Asn; replaces serine 80 with asparagine.
Molecular consequence: missense variant. On other transcripts: non-coding transcript variant (1).
Genome position (GRCh38, 1-based): chr3:114,351,839, C>T on the plus strand (G>A on the coding strand, the complement: ZBTB20 is on the minus strand). VCF-style: chr3-114351839-C-T. GRCh37 (hg19) VCF-style: chr3-114070686-C-T.
Other names: c.239G>A, p.Ser80Asn (NM_001164342.2, NM_001348803.3, NM_001393393.1 and 1 more transcripts); c.20G>A, p.Ser7Asn (NM_001164343.2, NM_001164344.4, NM_001164345.4 and 9 more transcripts); c.239G>A (NM_001164342.1); short protein forms S7N, S80N.
Identifiers: ClinVar variation 2654056 (VCV002654056.28), dbSNP rs200761427, ClinGen allele CA2551455.